The following is an entry in ClinVar:

NM_001903.5(CTNNA1):c.348C>A (p.Cys116Ter)

Gene: CTNNA1 (catenin alpha 1; plus strand). Cytogenetic location: 5q31.2.
Variant type: single nucleotide variant.
Coding change: c.348C>A on transcript NM_001903.5 (MANE Select); coding-DNA position 348, C replaced by A.
Protein change: p.Cys116Ter; replaces cysteine 116 with a stop codon.
Molecular consequence: nonsense. On other transcripts: intron variant (1).
Genome position (GRCh38, 1-based): chr5:138,810,084, C>A. VCF-style: chr5-138810084-C-A. GRCh37 (hg19) VCF-style: chr5-138145773-C-A.
Other names: c.348C>A, p.Cys116Ter (NM_001290307.3, NM_001323982.2, NM_001323983.1 and 3 more transcripts); c.39C>A, p.Cys13Ter (NM_001290309.3); c.-5-17C>A (NM_001290310.3); short protein forms C116*, C13*.
Identifiers: ClinVar variation 3221913 (VCV003221913.2), dbSNP rs1455080825, ClinGen allele CA361122962.

ClinVar aggregate classification (germline): Pathogenic (1 of 4 stars; one submission).

Conditions:
Hereditary cancer-predisposing syndrome. Also called: Tumor predisposition; Hereditary neoplastic syndrome; Hereditary Cancer Syndrome; Neoplastic Syndromes, Hereditary. Identifiers: Orphanet 140162, MedGen C0027672, MeSH D009386, MONDO:0015356.

Submission:

Ambry Genetics
Classification: Pathogenic for Hereditary cancer-predisposing syndrome. Last evaluated: 2025-07-15. Review status: criteria provided, single submitter. Criteria: Ambry Variant Classification Scheme 2023. Collection method: clinical testing. Allele origin: germline.
Comment: The p.C116* pathogenic mutation (also known as c.348C>A), located in coding exon 3 of the CTNNA1 gene, results from a C to A substitution at nucleotide position 348. This changes the amino acid from a cysteine to a stop codon within coding exon 3. This alteration is expected to result in loss of function by premature protein truncation or nonsense-mediated mRNA decay. As such, this alteration is interpreted as a disease-causing mutation.